The following is an entry in ClinVar:

NM_005428.4(VAV1):c.1907G>A (p.Trp636Ter)

Gene: VAV1 (vav guanine nucleotide exchange factor 1; plus strand). Cytogenetic location: 19p13.3.
Variant type: single nucleotide variant.
Coding change: c.1907G>A on transcript NM_005428.4 (MANE Select); coding-DNA position 1907, G replaced by A.
Protein change: p.Trp636Ter; replaces tryptophan 636 with a stop codon.
Molecular consequence: nonsense.
Genome position (GRCh38, 1-based): chr19:6,836,561, G>A. VCF-style: chr19-6836561-G-A. GRCh37 (hg19) VCF-style: chr19-6836572-G-A.
Other names: c.1907G>A, p.Trp636Ter (NM_001258206.2); c.1811G>A, p.Trp604Ter (NM_001258207.2); short protein forms W604*, W636*.
Identifiers: ClinVar variation 3658141 (VCV003658141.2).
Genomic context (GRCh38, chr19:6,836,561, plus strand): 5'-TTCTACGGCTCAACCCTGGAGACATTGTGGAGCTCACGAAGGCTGAGGCTGAACAGAACT[G>A]GTGGGAGGTACAGGCTGGGGCCACAAGAGTGATGGGGTGGGACCCAAGTGTAGGGTTATG-3'

ClinVar aggregate classification (germline): Uncertain significance (1 of 4 stars; one submission).

Submission:

Labcorp Genetics (formerly Invitae), Labcorp
Classification: Uncertain significance. Last evaluated: 2024-06-28. Review status: criteria provided, single submitter. Criteria: Invitae Variant Classification Sherloc (09022015). Collection method: clinical testing. Allele origin: germline.
Comment: This sequence change creates a premature translational stop signal (p.Trp636*) in the VAV1 gene. It is expected to result in an absent or disrupted protein product. However, the current clinical and genetic evidence is not sufficient to establish whether loss-of-function variants in VAV1 cause disease. This variant is not present in population databases (gnomAD no frequency). This variant has not been reported in the literature in individuals affected with VAV1-related conditions. In summary, the available evidence is currently insufficient to determine the role of this variant in disease. Therefore, it has been classified as a Variant of Uncertain Significance.